The following is an entry in ClinVar:

ClinVar aggregate classification (germline): Uncertain significance (1 of 4 stars; one submission).

gnomAD v4.1: 1 of 1,613,818 alleles (0.000062%); highest among the groups gnomAD compares: Non-Finnish European, 0.000085%; no homozygotes.

Submission:

GeneDx
Classification: Uncertain significance. Last evaluated: 2023-05-06. Review status: criteria provided, single submitter. Criteria: GeneDx Variant Classification Process June 2021. Collection method: clinical testing. Allele origin: germline. Affected: yes.
Comment: Not observed at significant frequency in large population cohorts (gnomAD); In silico analysis supports that this missense variant does not alter protein structure/function; Has not been previously published as pathogenic or benign to our knowledge

NM_032436.4(CHAMP1):c.2057C>T (p.Thr686Ile)

Gene: CHAMP1 (chromosome alignment maintaining phosphoprotein 1; plus strand). Cytogenetic location: 13q34.
Variant type: single nucleotide variant.
Coding change: c.2057C>T on transcript NM_032436.4 (MANE Select); coding-DNA position 2057, C replaced by T.
Protein change: p.Thr686Ile; replaces threonine 686 with isoleucine.
Molecular consequence: missense variant.
Genome position (GRCh38, 1-based): chr13:114,325,899, C>T. VCF-style: chr13-114325899-C-T. GRCh37 (hg19) VCF-style: chr13-115091374-C-T.
Other names: c.2057C>T, p.Thr686Ile (NM_001164144.3, NM_001164145.3); short protein forms T686I.
Identifiers: ClinVar variation 3343328 (VCV003343328.1).